The following is an entry in ClinVar:

ClinVar aggregate classification (germline): Uncertain significance. Review status: criteria provided, single submitter (1 of 4 stars). 2 submissions from 2 submitters: Uncertain significance (1). 1 of the submissions does not count toward it. Last evaluated 2022-03-15.

Conditions:
IFT172-related disorder. Also called: IFT172-related condition; IFT172-related disorders.
Retinitis pigmentosa 71 (RP71). Identifiers: Orphanet 791, MedGen C4225342, MONDO:0014618, OMIM 616394.
Short-rib thoracic dysplasia 10 with or without polydactyly (SRTD10). Identifiers: Orphanet 474, MedGen C3810175, MONDO:0014284, OMIM 615630.

Allele frequency attached by ClinVar (database versions not stated): ExAC 0.00001; gnomAD 0.00001; TOPMed 0.00005.
gnomAD v4.1: 9 of 1,613,962 alleles (0.00056%); highest among the groups gnomAD compares: African/African-American, 0.0027%; no homozygotes.

Submissions (2):

Labcorp Genetics (formerly Invitae), Labcorp
Classification: Uncertain significance for Retinitis pigmentosa 71; Short-rib thoracic dysplasia 10 with or without polydactyly. Last evaluated: 2022-03-15. Review status: criteria provided, single submitter. Criteria: Invitae Variant Classification Sherloc (09022015). Collection method: clinical testing. Allele origin: germline.
Comment: This sequence change replaces arginine, which is basic and polar, with cysteine, which is neutral and slightly polar, at codon 833 of the IFT172 protein (p.Arg833Cys). This variant is present in population databases (rs778307866, gnomAD 0.007%). This variant has not been reported in the literature in individuals affected with IFT172-related conditions. Algorithms developed to predict the effect of missense changes on protein structure and function output the following: SIFT: "Deleterious"; PolyPhen-2: "Benign"; Align-GVGD: "Class C0". The cysteine amino acid residue is found in multiple mammalian species, which suggests that this missense change does not adversely affect protein function. In summary, the available evidence is currently insufficient to determine the role of this variant in disease. Therefore, it has been classified as a Variant of Uncertain Significance.

PreventionGenetics, part of Exact Sciences
Classification: Uncertain significance for IFT172-related condition. Last evaluated: 2024-04-17. Review status: no assertion criteria provided. Collection method: clinical testing. Allele origin: germline. Not counted in ClinVar's aggregate classification.
Comment: The IFT172 c.2497C>T variant is predicted to result in the amino acid substitution p.Arg833Cys. To our knowledge, this variant has not been reported in the literature. This variant is reported in 0.0062% of alleles in individuals of African descent in gnomAD. The p.Arg833 amino acid is only weakly conserved, and is a cysteine in several other species. At this time, the clinical significance of this variant is uncertain due to the absence of conclusive functional and genetic evidence.

NM_015662.3(IFT172):c.2497C>T (p.Arg833Cys)

Gene: IFT172 (intraflagellar transport 172; minus strand). Cytogenetic location: 2p23.3.
Variant type: single nucleotide variant.
Coding change: c.2497C>T on transcript NM_015662.3 (MANE Select); coding-DNA position 2497, C replaced by T.
Protein change: p.Arg833Cys; replaces arginine 833 with cysteine.
Molecular consequence: missense variant.
Genome position (GRCh38, 1-based): chr2:27,461,039, G>A on the plus strand (C>T on the coding strand, the complement: IFT172 is on the minus strand). VCF-style: chr2-27461039-G-A. GRCh37 (hg19) VCF-style: chr2-27683906-G-A.
Other names: c.2497C>T (NM_015662.2); c.2431C>T, p.Arg811Cys (NM_001410739.1); short protein forms R811C, R833C.
Identifiers: ClinVar variation 2161505 (VCV002161505.2), dbSNP rs778307866, ClinGen allele CA1580290.
Genomic context (GRCh38, chr2:27,461,039, plus strand): 5'-CACAACAGTAAAGGATGGCTTATAGGTGGCTAGTACCTTTCATGAATGCGTTGCCTTTAC[G>A]GTAGCACTCCAGGGCCTTCTGTGGATTGTGAATCTTCTCAAAGAGATCACCTGCCTGTTA-3'
Protein context (NP_056477.1, residues 823-843): HNPQKALECY[Arg833Cys]KGNAFMKAVE